The following is an entry in ClinVar:

ClinVar aggregate classification (germline): Pathogenic. Review status: reviewed by expert panel (3 of 4 stars). 2 submissions from 2 submitters: Pathogenic (1). 1 of the submissions does not count toward it. Last evaluated 2016-09-08.

Conditions:
Breast-ovarian cancer, familial, susceptibility to, 1 (BROVCA1). Also called: OVARIAN CANCER, SUSCEPTIBILITY TO; BRCA1 Hereditary Breast and Ovarian Cancer. Identifiers: Orphanet 145, MedGen C2676676, MONDO:0011450, OMIM 604370. Disease mechanism: loss of function.

Submissions (2):

Evidence-based Network for the Interpretation of Germline Mutant Alleles (ENIGMA)
Classification: Pathogenic for Breast-ovarian cancer, familial, susceptibility to, 1. Last evaluated: 2016-09-08. Review status: reviewed by expert panel. Criteria: ENIGMA BRCA1/2 Classification Criteria (2015). Collection method: curation. Allele origin: germline.
Comment: Variant allele predicted to encode a truncated non-functional protein.

Sharing Clinical Reports Project (SCRP)
Classification: Pathogenic for Breast-ovarian cancer, familial 1. Last evaluated: 2009-10-30. Review status: no assertion criteria provided. Collection method: clinical testing. Allele origin: germline. Not counted in ClinVar's aggregate classification.

NM_007294.4(BRCA1):c.3503del (p.Asn1168fs)

Genes: BRCA1 (BRCA1 DNA repair associated; minus strand), LOC126862571 (BRD4-independent group 4 enhancer GRCh37_chr17:41243136-41244335; plus strand). Cytogenetic location: 17q21.31.
Variant type: Deletion.
Coding change: c.3503del on transcript NM_007294.4 (MANE Select); coding-DNA position 3503, one base deleted (A; older notation c.3503delA).
Protein change: p.Asn1168fs; shifts the reading frame from asparagine 1168.
Molecular consequence: frameshift variant. On other transcripts: intron variant (135).
Genome position (GRCh38, 1-based): chr17:43,092,028, T deleted on the plus strand (A on the coding strand, the reverse complement: BRCA1 is on the minus strand); the first of 4 consecutive T bases (chr17:43,092,028-43,092,031); deleting any one gives the same sequence. VCF-style (leftmost placement, unchanged base first): chr17-43092027-AT-A. GRCh37 (hg19) VCF-style: chr17-41244044-AT-A.
Other names: 3622delA; c.3503delA (NM_007294.3); c.3362del, p.Asn1121fs (NM_001407727.1, NM_001407728.1, NM_001407729.1 and 29 more transcripts); c.3359del, p.Asn1120fs (NM_001407740.1, NM_001407741.1, NM_001407742.1 and 20 more transcripts); c.3290del, p.Asn1097fs (NM_001407853.1, NM_001407894.1, NM_001407895.1 and 9 more transcripts); c.3503del, p.Asn1168fs (NM_001407854.1, NM_001407858.1, NM_001407859.1 and 30 more transcripts); c.3500del, p.Asn1167fs (NM_001407860.1, NM_001407861.1, NM_001407587.1 and 22 more transcripts); c.3302del, p.Asn1101fs (NM_001407862.1); and 43 more; short protein forms N1121fs, N1168fs, N1040fs, N1041fs, N1056fs, N1057fs, N1080fs, N1141fs.
Identifiers: ClinVar variation 37532 (VCV000037532.3), dbSNP rs397507216, ClinGen allele CA002252.